The following is an entry in ClinVar:

NM_000051.4(ATM):c.5391T>C (p.Pro1797=)

Gene: ATM (ATM serine/threonine kinase; plus strand). Cytogenetic location: 11q22.3.
Variant type: single nucleotide variant.
Coding change: c.5391T>C on transcript NM_000051.4 (MANE Select); coding-DNA position 5391, T replaced by C.
Protein change: p.Pro1797=; no amino-acid change (proline 1797 retained).
Molecular consequence: synonymous variant.
Genome position (GRCh38, 1-based): chr11:108,302,924, T>C. VCF-style: chr11-108302924-T-C. GRCh37 (hg19) VCF-style: chr11-108173651-T-C.
Other names: c.5391T>C, p.Pro1797= (NM_001351834.2).
Identifiers: ClinVar variation 3253927 (VCV003253927.1), dbSNP rs2135928638.

ClinVar aggregate classification (germline): Benign (1 of 4 stars; one submission).

Conditions:
Familial cancer of breast. Also called: BREAST CANCER, FAMILIAL; Hereditary breast cancer; hereditary breast carcinoma. Identifiers: Orphanet 227535, MedGen C0346153, MONDO:0016419, OMIM 114480. Disease mechanism: loss of function.

Submission:

Myriad Genetics, Inc.
Classification: Benign for Familial cancer of breast. Last evaluated: 2024-05-23. Review status: criteria provided, single submitter. Criteria: Myriad Autosomal Dominant, Autosomal Recessive and X-Linked Classification Criteria (2023). Collection method: clinical testing. Allele origin: unknown.
Comment: This variant is considered benign. This variant is a silent/synonymous amino acid change and it is not expected to impact splicing.